The following is an entry in ClinVar:

NM_000135.4(FANCA):c.3970C>T (p.Pro1324Ser)

Genes: FANCA (FA complementation group A; minus strand), ZNF276 (zinc finger protein 276; plus strand). Cytogenetic location: 16q24.3.
Variant type: single nucleotide variant.
Coding change: c.3970C>T on transcript NM_000135.4 (MANE Select); coding-DNA position 3970, C replaced by T.
Protein change: p.Pro1324Ser; replaces proline 1324 with serine.
Molecular consequence: missense variant. On other transcripts: 3 prime UTR variant (2), non-coding transcript variant (4).
Genome position (GRCh38, 1-based): chr16:89,739,518, G>A on the plus strand (C>T on the coding strand, the complement: FANCA is on the minus strand). VCF-style: chr16-89739518-G-A. GRCh37 (hg19) VCF-style: chr16-89805926-G-A.
Other names: c.3970C>T, p.Pro1324Ser (NM_001286167.3); c.*1272G>A (NM_001113525.2, NM_152287.4); short protein forms P1324S.
Identifiers: ClinVar variation 1418105 (VCV001418105.8), dbSNP rs2151712907, ClinGen allele CA397484814.

ClinVar aggregate classification (germline): Uncertain significance (1 of 4 stars; one submission).

Conditions:
Fanconi anemia (FA). Also called: Fanconi's anemia. Identifiers: Orphanet 84, MedGen C0015625, MeSH D005199, MONDO:0019391.

Submission:

Labcorp Genetics (formerly Invitae), Labcorp
Classification: Uncertain significance for Fanconi anemia. Last evaluated: 2021-05-25. Review status: criteria provided, single submitter. Criteria: Invitae Variant Classification Sherloc (09022015). Collection method: clinical testing. Allele origin: germline.
Comment: Advanced modeling of protein sequence and biophysical properties (such as structural, functional, and spatial information, amino acid conservation, physicochemical variation, residue mobility, and thermodynamic stability) performed at Invitae indicates that this missense variant is not expected to disrupt FANCA protein function. This variant disrupts the p.Pro1324 amino acid residue in FANCA. Other variant(s) that disrupt this residue have been determined to be pathogenic (PMID: 10521298, 17924555, 23973728, 24584348, 12444097). This suggests that this residue is clinically significant, and that variants that disrupt this residue are likely to be disease-causing. In summary, the available evidence is currently insufficient to determine the role of this variant in disease. Therefore, it has been classified as a Variant of Uncertain Significance. This variant has not been reported in the literature in individuals with FANCA-related conditions. This sequence change replaces proline with serine at codon 1324 of the FANCA protein (p.Pro1324Ser). The proline residue is moderately conserved and there is a moderate physicochemical difference between proline and serine. This variant is not present in population databases (ExAC no frequency).

Literature cited by the submitters: PubMed 10521298; PubMed 17924555; PubMed 23973728; PubMed 24584348; PubMed 12444097.